The following is an entry in ClinVar:

ClinVar aggregate classification (germline): Uncertain significance. Review status: criteria provided, multiple submitters, no conflicts (2 of 4 stars). 2 submissions from 2 submitters: Uncertain significance (2). Last evaluated 2022-06-27.

Conditions:
Inborn genetic diseases. Identifiers: MedGen C0950123, MeSH D030342.

Allele frequency attached by ClinVar (database versions not stated): ESP Exome Variant Server 0.00008.

Submissions (2):

Labcorp Genetics (formerly Invitae), Labcorp
Classification: Uncertain significance. Last evaluated: 2022-06-27. Review status: criteria provided, single submitter. Criteria: Invitae Variant Classification Sherloc (09022015). Collection method: clinical testing. Allele origin: germline.
Comment: Algorithms developed to predict the effect of missense changes on protein structure and function (SIFT, PolyPhen-2, Align-GVGD) all suggest that this variant is likely to be tolerated. This sequence change replaces arginine, which is basic and polar, with glutamine, which is neutral and polar, at codon 157 of the DVL3 protein (p.Arg157Gln). This variant is present in population databases (rs146549809, gnomAD 0.03%). This variant has not been reported in the literature in individuals affected with DVL3-related conditions. In summary, the available evidence is currently insufficient to determine the role of this variant in disease. Therefore, it has been classified as a Variant of Uncertain Significance.

Ambry Genetics
Classification: Uncertain significance for Inborn genetic diseases. Last evaluated: 2021-07-09. Review status: criteria provided, single submitter. Criteria: Ambry Variant Classification Scheme 2023. Collection method: clinical testing. Allele origin: germline.

NM_004423.4(DVL3):c.470G>A (p.Arg157Gln)

Gene: DVL3 (dishevelled segment polarity protein 3; plus strand). Cytogenetic location: 3q27.1.
Variant type: single nucleotide variant.
Coding change: c.470G>A on transcript NM_004423.4 (MANE Select); coding-DNA position 470, G replaced by A.
Protein change: p.Arg157Gln; replaces arginine 157 with glutamine.
Molecular consequence: missense variant.
Genome position (GRCh38, 1-based): chr3:184,164,802, G>A. VCF-style: chr3-184164802-G-A. GRCh37 (hg19) VCF-style: chr3-183882590-G-A.
Other names: c.470G>A (NM_004423.3); short protein forms R157Q.
Identifiers: ClinVar variation 1443235 (VCV001443235.9), dbSNP rs146549809, ClinGen allele CA2727114.